The following is an entry in ClinVar:

NM_001042492.3(NF1):c.4529T>C (p.Leu1510Pro)

Gene: NF1 (neurofibromin 1; plus strand). Cytogenetic location: 17q11.2.
Variant type: single nucleotide variant.
Coding change: c.4529T>C on transcript NM_001042492.3 (MANE Select); coding-DNA position 4529, T replaced by C.
Protein change: p.Leu1510Pro; replaces leucine 1510 with proline.
Molecular consequence: missense variant.
Genome position (GRCh38, 1-based): chr17:31,260,467, T>C. VCF-style: chr17-31260467-T-C. GRCh37 (hg19) VCF-style: chr17-29587485-T-C.
Other names: c.4466T>C, p.Leu1489Pro (NM_000267.4); short protein forms L1489P, L1510P.
Identifiers: ClinVar variation 665580 (VCV000665580.7), dbSNP rs1597747078, ClinGen allele CA398999701.
Genomic context (GRCh38, chr17:31,260,467, plus strand): 5'-ATGCAGTAAATCATAGTCTTTCCTTCATAAGTGACGGCAATGTGCTTGCTTTACATCGTC[T>C]ACTCTGGAACAATCAGGAGAAAATTGGGCAGTATCTTTCCAGCAACAGGTAAGATTTCCC-3'
Protein context (NP_001035957.1, residues 1500-1520): SDGNVLALHR[Leu1510Pro]LWNNQEKIGQ

ClinVar aggregate classification (germline): Uncertain significance (1 of 4 stars; one submission).

Conditions:
Neurofibromatosis, type 1 (NF1). Also called: VON RECKLINGHAUSEN DISEASE; NEUROFIBROMATOSIS, TYPE I, SOMATIC; Peripheral type neurofibromatosis; Neurofibromatosis, type I. Identifiers: Orphanet 636, MedGen C0027831, MONDO:0018975, OMIM 162200. Disease mechanism: loss of function.

Submission:

Labcorp Genetics (formerly Invitae), Labcorp
Classification: Uncertain significance for Neurofibromatosis, type 1. Last evaluated: 2022-03-19. Review status: criteria provided, single submitter. Criteria: Invitae Variant Classification Sherloc (09022015). Collection method: clinical testing. Allele origin: germline.
Comment: Advanced modeling of protein sequence and biophysical properties (such as structural, functional, and spatial information, amino acid conservation, physicochemical variation, residue mobility, and thermodynamic stability) performed at Invitae indicates that this missense variant is expected to disrupt NF1 protein function. In summary, the available evidence is currently insufficient to determine the role of this variant in disease. Therefore, it has been classified as a Variant of Uncertain Significance. ClinVar contains an entry for this variant (Variation ID: 665580). This missense change has been observed in individual(s) with clinical features of NF1-related conditions (PMID: 21520333). This variant is not present in population databases (gnomAD no frequency). This sequence change replaces leucine, which is neutral and non-polar, with proline, which is neutral and non-polar, at codon 1489 of the NF1 protein (p.Leu1489Pro).

Literature cited by the submitters: PubMed 21520333.